The following is an entry in ClinVar:

ClinVar aggregate classification (germline): Benign/Likely benign. Review status: criteria provided, multiple submitters, no conflicts (2 of 4 stars). 7 submissions from 7 submitters: Benign (5); Likely benign (2). Last evaluated 2026-01-31.

Conditions:
Batten-Turner congenital myopathy. Also called: Congenital myotonia; Myotonia congenita. Identifiers: Orphanet 206973, MedGen C0027127, MONDO:0100468, OMIM 255300.
Congenital myotonia, autosomal dominant form (THD). Also called: Myotonia congenita autosomal dominant; THOMSEN DISEASE. Identifiers: Orphanet 614, MedGen C2936781, MONDO:0008055, OMIM 160800.
Congenital myotonia, autosomal recessive form. Also called: myotonia congenita, autosomal recessive; BECKER DISEASE; Becker Generalized Myotonia. Identifiers: Orphanet 614, MedGen C0751360, MONDO:0009715, OMIM 255700.

Allele frequency attached by ClinVar (database versions not stated): gnomAD exomes 0.00102 and 0.00256; ExAC 0.00314; 1000 Genomes Project 30x 0.00937; 1000 Genomes Project 0.00958; gnomAD 0.00975 and 0.01028; TOPMed 0.01098; ESP Exome Variant Server 0.01169.
gnomAD v4.1: 3,043 of 1,614,212 alleles (0.19%); highest among the groups gnomAD compares: African/African-American, 3.4%; 57 homozygotes.

Submissions (7):

Labcorp Genetics (formerly Invitae), Labcorp
Classification: Benign for Congenital myotonia, autosomal recessive form; Congenital myotonia, autosomal dominant form. Last evaluated: 2026-01-31. Review status: criteria provided, single submitter. Criteria: Invitae Variant Classification Sherloc (09022015). Collection method: clinical testing. Allele origin: germline.

Genomic Medicine Center of Excellence, King Faisal Specialist Hospital and Research Centre
Classification: Likely benign. Last evaluated: 2025-08-18. Review status: criteria provided, single submitter. Criteria: ACMG Guidelines, 2015. Collection method: clinical testing. Allele origin: germline.

Mayo Clinic Laboratories, Mayo Clinic
Classification: Benign. Last evaluated: 2025-07-18. Review status: criteria provided, single submitter. Criteria: ACMG Guidelines, 2015. Collection method: clinical testing. Allele origin: germline. Observed: 1 variant allele.
Comment: BS1, BS2, BS3_supporting, BP4

CeGaT Center for Human Genetics Tuebingen
Classification: Likely benign. Last evaluated: 2023-07-01. Review status: criteria provided, single submitter. Criteria: CeGaT Center For Human Genetics Tuebingen Variant Classification Criteria Version 2. Collection method: clinical testing. Allele origin: germline. Affected: yes. Observed: 1 variant allele.
Comment: CLCN1: BP4, BS2

Illumina Laboratory Services, Illumina
Classification: Benign for Myotonia congenita. Last evaluated: 2018-01-13. Review status: criteria provided, single submitter. Criteria: ICSL Variant Classification Criteria 13 December 2019. Collection method: clinical testing. Allele origin: germline.
Comment: This variant was observed in the ICSL laboratory as part of a predisposition screen in an ostensibly healthy population. It had not been previously curated by ICSL or reported in the Human Gene Mutation Database (HGMD: prior to June 1st, 2018), and was therefore a candidate for classification through an automated scoring system. Utilizing variant allele frequency, disease prevalence and penetrance estimates, and inheritance mode, an automated score was calculated to assess if this variant is too frequent to cause the disease. Based on the score and internal cut-off values, a variant classified as benign is not then subjected to further curation. The score for this variant resulted in a classification of benign for this disease.

GeneDx
Classification: Benign. Last evaluated: 2016-11-10. Review status: criteria provided, single submitter. Criteria: GeneDx Variant Classification (06012015). Collection method: clinical testing. Allele origin: germline. Affected: yes.
Comment: This variant is considered likely benign or benign based on one or more of the following criteria: it is a conservative change, it occurs at a poorly conserved position in the protein, it is predicted to be benign by multiple in silico algorithms, and/or has population frequency not consistent with disease.

Breakthrough Genomics
Classification: Benign. Review status: criteria provided, single submitter. Criteria: ACMG Guidelines, 2015. Collection method: not provided. Allele origin: germline. Inheritance: Autosomal recessive inheritance. Affected: yes.

Literature cited by the submitters: PubMed 26510092 (cited by Mayo Clinic Laboratories, Mayo Clinic); PubMed 34529042 (cited by Mayo Clinic Laboratories, Mayo Clinic).

NM_000083.3(CLCN1):c.461A>G (p.Gln154Arg)

Gene: CLCN1 (chloride voltage-gated channel 1; plus strand). Cytogenetic location: 7q34.
Variant type: single nucleotide variant.
Coding change: c.461A>G on transcript NM_000083.3 (MANE Select); coding-DNA position 461, A replaced by G.
Protein change: p.Gln154Arg; replaces glutamine 154 with arginine.
Molecular consequence: missense variant. On other transcripts: non-coding transcript variant (1).
Genome position (GRCh38, 1-based): chr7:143,321,392, A>G. VCF-style: chr7-143321392-A-G. GRCh37 (hg19) VCF-style: chr7-143018485-A-G.
Other names: short protein forms Q154R.
Identifiers: ClinVar variation 359101 (VCV000359101.47), dbSNP rs111482384, ClinGen allele CA4536963.